The following is an entry in ClinVar:

ClinVar aggregate classification (germline): Likely benign (1 of 4 stars; one submission).

gnomAD v4.1: 87 of 1,614,048 alleles (0.0054%); highest among the groups gnomAD compares: Admixed American, 0.047%; no homozygotes.

Submission:

CeGaT Center for Human Genetics Tuebingen
Classification: Likely benign. Last evaluated: 2026-09-01. Review status: criteria provided, single submitter. Criteria: CeGaT Center For Human Genetics Tuebingen Variant Classification Criteria Version 2. Collection method: clinical testing. Allele origin: germline. Affected: yes. Observed: 1 variant allele.
Comment: MACF1: BP4

NM_001394062.1(MACF1):c.8302G>T (p.Asp2768Tyr)

Gene: MACF1 (microtubule actin crosslinking factor 1; plus strand). Cytogenetic location: 1p34.3.
Variant type: single nucleotide variant.
Coding change: c.8302G>T on transcript NM_001394062.1 (MANE Select); coding-DNA position 8302, G replaced by T.
Protein change: p.Asp2768Tyr; replaces aspartic acid 2768 with tyrosine.
Molecular consequence: missense variant. On other transcripts: intron variant (1).
Genome position (GRCh38, 1-based): chr1:39,334,890, G>T. VCF-style: chr1-39334890-G-T. GRCh37 (hg19) VCF-style: chr1-39800562-G-T.
Other names: c.4629+7537G>T (NM_012090.5); short protein forms D2768Y.
Identifiers: ClinVar variation 5040836 (VCV005040836.1).
Genomic context (GRCh38, chr1:39,334,890, plus strand): 5'-AAAAGACTGATCAGCCCTGAACTGGCAAATATGATCCAAATAGATAGTTCAGAGTTCAGC[G>T]ATCACAGGGCTCAGATTGAAAAGCAAGAAGGGATTGAAGTGTGTGCATTACAAAATGAAT-3'
Protein context (NP_001380991.1, residues 2758-2778): MIQIDSSEFS[Asp2768Tyr]HRAQIEKQEG